The following is an entry in ClinVar:

NM_206933.4(USH2A):c.11263G>C (p.Gly3755Arg)

Gene: USH2A (usherin; minus strand). Cytogenetic location: 1q41.
Variant type: single nucleotide variant.
Coding change: c.11263G>C on transcript NM_206933.4 (MANE Select); coding-DNA position 11263, G replaced by C.
Protein change: p.Gly3755Arg; replaces glycine 3755 with arginine.
Molecular consequence: missense variant.
Genome position (GRCh38, 1-based): chr1:215,758,721, C>G on the plus strand (G>C on the coding strand, the complement: USH2A is on the minus strand). VCF-style: chr1-215758721-C-G. GRCh37 (hg19) VCF-style: chr1-215932063-C-G.
Other names: short protein forms G3755R.
Identifiers: ClinVar variation 48370 (VCV000048370.12), dbSNP rs397517971, ClinGen allele CA143251.
Genomic context (GRCh38, chr1:215,758,721, plus strand): 5'-TTTCTTCTGGTGTTGACATAGGTGTTTGAACAATGTAATCATCACTAGCACTGCTGCCAC[C>G]TCCAGTTTTGACTTCTAACTTGTAAGTGTATCTATATTTAAAAAGAAAGAAGAATTGTGG-3'
Protein context (NP_996816.3, residues 3745-3765): YTYKLEVKTG[Gly3755Arg]GSSASDDYIV

ClinVar aggregate classification (germline): Uncertain significance. Review status: criteria provided, multiple submitters, no conflicts (2 of 4 stars). 9 submissions from 8 submitters: Uncertain significance (7). 2 of the submissions do not count toward it. Last evaluated 2026-02-12.

Conditions:
Inborn genetic diseases. Identifiers: MedGen C0950123, MeSH D030342.
Retinitis pigmentosa 39 (RP39). Identifiers: Orphanet 791, MedGen C3151138, MONDO:0013436, OMIM 613809.
Usher syndrome type 2A. Also called: RETINAL DISEASE IN USHER SYNDROME TYPE IIA, MODIFIER OF; USHER SYNDROME, TYPE IIA. Identifiers: Orphanet 231178, Orphanet 886, MedGen C1848634, MONDO:0010169, OMIM 276901.

Allele frequency attached by ClinVar (database versions not stated): TOPMed below 0.00001; gnomAD 0.00001; gnomAD exomes 0.00002; ExAC 0.00002.
gnomAD v4.1: 12 of 1,613,808 alleles (0.00074%); highest among the groups gnomAD compares: Middle Eastern, 0.033%; no homozygotes.

Submissions (9):

GeneDx
Classification: Uncertain significance. Last evaluated: 2026-02-12. Review status: criteria provided, single submitter. Criteria: GeneDx Variant Classification Process June 2021. Collection method: clinical testing. Allele origin: germline.
Comment: Not observed at significant frequency in large population cohorts (gnomAD); In silico analysis supports that this missense variant has a deleterious effect on protein structure/function; Has not been previously published as pathogenic or benign to our knowledge

Ambry Genetics
Classification: Uncertain significance for Inborn genetic diseases. Last evaluated: 2025-01-23. Review status: criteria provided, single submitter. Criteria: Ambry Variant Classification Scheme 2023. Collection method: clinical testing. Allele origin: germline.

Blueprint Genetics
Classification: Uncertain significance. Last evaluated: 2024-10-07. Review status: criteria provided, single submitter. Criteria: ACMG Guidelines, 2015. Collection method: clinical testing. Allele origin: germline.

Genome-Nilou Lab
Classification: Uncertain significance for Retinitis pigmentosa 39. Last evaluated: 2023-11-04. Review status: criteria provided, single submitter. Criteria: ACMG Guidelines, 2015. Collection method: clinical testing. Allele origin: germline. Affected: no.

Genome-Nilou Lab
Classification: Uncertain significance for Usher syndrome type 2A. Last evaluated: 2023-11-04. Review status: criteria provided, single submitter. Criteria: ACMG Guidelines, 2015. Collection method: clinical testing. Allele origin: germline. Affected: no.

Labcorp Genetics (formerly Invitae), Labcorp
Classification: Uncertain significance. Last evaluated: 2021-08-28. Review status: criteria provided, single submitter. Criteria: Invitae Variant Classification Sherloc (09022015). Collection method: clinical testing. Allele origin: germline.
Comment: This sequence change replaces glycine with arginine at codon 3755 of the USH2A protein (p.Gly3755Arg). The glycine residue is highly conserved and there is a moderate physicochemical difference between glycine and arginine. This variant is present in population databases (rs397517971, ExAC 0.003%). This variant has not been reported in the literature in individuals affected with USH2A-related conditions. ClinVar contains an entry for this variant (Variation ID: 48370). Algorithms developed to predict the effect of missense changes on protein structure and function are either unavailable or do not agree on the potential impact of this missense change (SIFT: "Deleterious"; PolyPhen-2: "Probably Damaging"; Align-GVGD: "Class C15"). In summary, the available evidence is currently insufficient to determine the role of this variant in disease. Therefore, it has been classified as a Variant of Uncertain Significance.

Laboratory for Molecular Medicine, Mass General Brigham Personalized Medicine
Classification: Uncertain significance. Last evaluated: 2011-01-17. Review status: criteria provided, single submitter. Criteria: LMM Criteria. Collection method: clinical testing. Allele origin: germline. Observed: 1 variant allele.
Comment: The Gly3755Arg variant in USH2A has not been reported in the literature nor prev iously identified by our laboratory. This residue is conserved across mammalian species and computational analyses (PolyPhen2, SIFT, AlignGVGD, MAPP) suggest th at the Gly3755Arg variant may impact the protein. However, this information is n ot predictive enough to assume pathogenicity. In summary, the clinical significa nce of this variant cannot be determined with certainty at this time.

Natera, Inc.
Classification: Uncertain significance for Usher syndrome type 2A. Last evaluated: 2020-01-17. Review status: no assertion criteria provided. Collection method: clinical testing. Allele origin: germline. Not counted in ClinVar's aggregate classification.

Counsyl
Classification: Uncertain significance for Usher syndrome type 2A; Retinitis pigmentosa 39. Last evaluated: 2017-10-07. Review status: no assertion criteria provided. Collection method: clinical testing. Allele origin: unknown. Not counted in ClinVar's aggregate classification.